The following is an entry in ClinVar:

ClinVar aggregate classification (germline): Uncertain significance. Review status: criteria provided, multiple submitters, no conflicts (2 of 4 stars). 2 submissions from 2 submitters: Uncertain significance (2). Last evaluated 2025-08-01.

Conditions:
Inborn genetic diseases. Identifiers: MedGen C0950123, MeSH D030342.

Allele frequency attached by ClinVar (database versions not stated): ExAC 0.00001; gnomAD 0.00001; gnomAD exomes 0.00001.

Submissions (2):

Ambry Genetics
Classification: Uncertain significance for Inborn genetic diseases. Last evaluated: 2025-08-01. Review status: criteria provided, single submitter. Criteria: Ambry Variant Classification Scheme 2023. Collection method: clinical testing. Allele origin: germline.

Labcorp Genetics (formerly Invitae), Labcorp
Classification: Uncertain significance. Last evaluated: 2022-07-15. Review status: criteria provided, single submitter. Criteria: Invitae Variant Classification Sherloc (09022015). Collection method: clinical testing. Allele origin: germline.
Comment: In summary, the available evidence is currently insufficient to determine the role of this variant in disease. Therefore, it has been classified as a Variant of Uncertain Significance. Algorithms developed to predict the effect of missense changes on protein structure and function are either unavailable or do not agree on the potential impact of this missense change (SIFT: "Not Available"; PolyPhen-2: "Probably Damaging"; Align-GVGD: "Not Available"). This variant has not been reported in the literature in individuals affected with ADSSL1-related conditions. The frequency data for this variant in the population databases is considered unreliable, as metrics indicate poor data quality at this position in the gnomAD database. This sequence change replaces glutamic acid, which is acidic and polar, with lysine, which is basic and polar, at codon 356 of the ADSSL1 protein (p.Glu356Lys).

NM_152328.5(ADSS1):c.937G>A (p.Glu313Lys)

Gene: ADSS1 (adenylosuccinate synthase 1; plus strand). Cytogenetic location: 14q32.33.
Variant type: single nucleotide variant.
Coding change: c.937G>A on transcript NM_152328.5 (MANE Select); coding-DNA position 937, G replaced by A.
Protein change: p.Glu313Lys; replaces glutamic acid 313 with lysine.
Molecular consequence: missense variant.
Genome position (GRCh38, 1-based): chr14:104,741,991, G>A. VCF-style: chr14-104741991-G-A. GRCh37 (hg19) VCF-style: chr14-105208328-G-A.
Other names: c.322G>A, p.Glu108Lys (NM_001320424.1); c.1066G>A, p.Glu356Lys (NM_199165.2); c.1066G>A (NM_199165.1); short protein forms E108K, E313K, E356K.
Identifiers: ClinVar variation 2414819 (VCV002414819.5), dbSNP rs760473533, ClinGen allele CA7373921.